The following is an entry in ClinVar:

ClinVar aggregate classification (germline): Pathogenic (1 of 4 stars; one submission).

Conditions:
Creatine transporter deficiency (CCDS1). Also called: Creatine Transporter (CRTR) Deficiency; Mental retardation , X-linked with seizures, short stature and midface hypoplasia; Mental retardation , X-linked, with creatine transport deficiency; X-linked creatine transporter deficiency; X-linked creatine deficiency syndrome; SLC6A8-Related Creatine Transporter Deficiency. Identifiers: Orphanet 52503, MedGen C1845862, MONDO:0010305, OMIM 300352.

Submission:

Institute of Human Genetics, University of Goettingen
Classification: Pathogenic for Creatine transporter deficiency. Last evaluated: 2022-01-24. Review status: criteria provided, single submitter. Criteria: ACMG Guidelines, 2015. Collection method: clinical testing. Allele origin: unknown. Inheritance: X-linked recessive inheritance. Affected: yes. Observed: 1 hemizygote.

NM_005629.4(SLC6A8):c.1292_1302del (p.Asp431fs)

Gene: SLC6A8 (solute carrier family 6 member 8; plus strand). Cytogenetic location: Xq28.
Variant type: Deletion.
Coding change: c.1292_1302del on transcript NM_005629.4 (MANE Select); coding-DNA positions 1292 to 1302, 11 bases deleted (ACCTCCTCCCG).
Protein change: p.Asp431fs; shifts the reading frame from aspartic acid 431.
Molecular consequence: frameshift variant.
Genome position (GRCh38, 1-based): chrX:153,694,167-153,694,177, ACCTCCTCCCG deleted; deleting any 11 consecutive bases within chrX:153,694,165-153,694,177 gives the same sequence; the c. name uses the placement nearest the transcript's 3' end. VCF-style (leftmost placement, unchanged base first): chrX-153694164-TCGACCTCCTCC-T. GRCh37 (hg19) VCF-style: chrX-152959619-TCGACCTCCTCC-T.
Other names: c.1262_1272del, p.Asp421fs (NM_001142805.2); c.947_957del, p.Asp316fs (NM_001142806.1); short protein forms D316fs, D421fs, D431fs.
Identifiers: ClinVar variation 1687062 (VCV001687062.2), dbSNP rs2148363973, ClinGen allele CA2573159332.
Genomic context (GRCh38, chrX:153,694,164, plus strand): 5'-CTCGGCCTGAGCTGCCCTGGCCACAGTTTGTAGGTGTGGAGGGCTTCATCACCGGCCTCC[TCGACCTCCTCC>T]CGGCCTCCTACTACTTCCGTTTCCAAAGGGAGATCTCTGTGGCCCTCTGTTGTGCCCTCT-3'